The following is an entry in ClinVar:

ClinVar aggregate classification (germline): Uncertain significance (1 of 4 stars; one submission).

Conditions:
Dyskeratosis congenita, autosomal recessive 6 (DKCB6). Identifiers: MedGen C4225356, MONDO:0014600, OMIM 616353.
Pulmonary fibrosis and/or bone marrow failure, Telomere-related, 4. Also called: PULMONARY FIBROSIS AND/OR BONE MARROW FAILURE SYNDROME, TELOMERE-RELATED, 4. Identifiers: Orphanet 2032, MedGen C4225347, MONDO:0014612, OMIM 616371.

Submission:

Labcorp Genetics (formerly Invitae), Labcorp
Classification: Uncertain significance for Dyskeratosis congenita, autosomal recessive 6; Pulmonary fibrosis and/or bone marrow failure, Telomere-related, 4. Last evaluated: 2025-11-17. Review status: criteria provided, single submitter. Criteria: Invitae Variant Classification Sherloc (09022015). Collection method: clinical testing. Allele origin: germline.
Comment: This variant, c.1348_1349insGGGGAATAA, is a complex sequence change that results in the deletion of 1 and insertion of 4 amino acid(s) in the PARN protein (p.Val450delinsGlyGlyIleMet). This variant is not present in population databases (gnomAD no frequency). This variant has not been reported in the literature in individuals affected with PARN-related conditions. Experimental studies and prediction algorithms are not available or were not evaluated, and the functional significance of this variant is currently unknown. In summary, the available evidence is currently insufficient to determine the role of this variant in disease. Therefore, it has been classified as a Variant of Uncertain Significance.

NM_002582.4(PARN):c.1348_1349insGGGGAATAA (p.Val450delinsGlyGlyIleMet)

Gene: PARN (poly(A)-specific ribonuclease; minus strand). Cytogenetic location: 16p13.12.
Variant type: Insertion.
Coding change: c.1348_1349insGGGGAATAA on transcript NM_002582.4 (MANE Select); coding-DNA positions 1348 to 1349, GGGGAATAA inserted.
Protein change: p.Val450delinsGlyGlyIleMet.
Molecular consequence: inframe indel.
Genome position: GRCh38 VCF-style: chr16-14554121-A-ATTATTCCCC. GRCh37 (hg19) VCF-style: chr16-14647978-A-ATTATTCCCC.
Other names: c.1165_1166insGGGGAATAA, p.Val389delinsGlyGlyIleMet (NM_001134477.3); c.1210_1211insGGGGAATAA, p.Val404delinsGlyGlyIleMet (NM_001242992.2).
Identifiers: ClinVar variation 4794906 (VCV004794906.1).